The following is an entry in ClinVar:

NM_030928.4(CDT1):c.226G>A (p.Glu76Lys)

Gene: CDT1 (chromatin licensing and DNA replication factor 1; plus strand). Cytogenetic location: 16q24.3.
Variant type: single nucleotide variant.
Coding change: c.226G>A on transcript NM_030928.4 (MANE Select); coding-DNA position 226, G replaced by A.
Protein change: p.Glu76Lys; replaces glutamic acid 76 with lysine.
Molecular consequence: missense variant.
Genome position (GRCh38, 1-based): chr16:88,804,057, G>A. VCF-style: chr16-88804057-G-A. GRCh37 (hg19) VCF-style: chr16-88870465-G-A.
Other names: short protein forms E76K.
Identifiers: ClinVar variation 4781294 (VCV004781294.1).

ClinVar aggregate classification (germline): Uncertain significance (1 of 4 stars; one submission).

Submission:

Labcorp Genetics (formerly Invitae), Labcorp
Classification: Uncertain significance. Last evaluated: 2025-05-07. Review status: criteria provided, single submitter. Criteria: Invitae Variant Classification Sherloc (09022015). Collection method: clinical testing. Allele origin: germline.
Comment: This sequence change replaces glutamic acid, which is acidic and polar, with lysine, which is basic and polar, at codon 76 of the CDT1 protein (p.Glu76Lys). This variant is not present in population databases (gnomAD no frequency). This variant has not been reported in the literature in individuals affected with CDT1-related conditions. An algorithm developed to predict the effect of missense changes on protein structure and function (PolyPhen-2) suggests that this variant is likely to be tolerated. In summary, the available evidence is currently insufficient to determine the role of this variant in disease. Therefore, it has been classified as a Variant of Uncertain Significance.